The following is an entry in ClinVar:

ClinVar aggregate classification (germline): Likely pathogenic. Review status: reviewed by expert panel (3 of 4 stars). 6 submissions from 6 submitters: Likely pathogenic (1). 5 of the submissions do not count toward it. Last evaluated 2025-10-31.

Conditions:
Very long chain acyl-CoA dehydrogenase deficiency (ACADVLD). Also called: VLCAD Deficiency; Very Long-Chain Acyl-Coenzyme A Dehydrogenase Deficiency. Identifiers: Orphanet 26793, MedGen C3887523, MONDO:0008723, OMIM 201475.

gnomAD v4.1: 4 of 1,613,968 alleles (0.00025%); highest among the groups gnomAD compares: Non-Finnish European, 0.00025%; no homozygotes.

Submissions (6):

ClinGen ACADVL Variant Curation Expert Panel, ClinGen
Classification: Likely pathogenic for Very long chain acyl-CoA dehydrogenase deficiency. Last evaluated: 2025-10-31. Review status: reviewed by expert panel. Criteria: clingen acadvl acmg specifications v1. Collection method: curation. Allele origin: germline. Inheritance: Autosomal recessive inheritance.
Comment: The c.1328T>G variant in ACADVL is a missense variant predicted to cause substitution of methionine by arginine at amino acid 443 (p.Met443Arg). This variant has been reported multiple times in the literature, and identified in at least one individual with a newborn screen consistent with very long chain acyl-CoA dehydrogenase (VLCAD) deficiency as well as follow-up acylcarnitine testing showing increased C14:1 acylcarnitines, which is highly specific for VLCAD deficiency (PP4_Moderate; PMID: 23480858, 27209629, 32305867, 34194748). This individual was also heterozygous for a different pathogenic variant; however, the phase was not determined (PM3_Supporting; PMID: 23480858, 27209629). The highest population minor allele frequency in gnomAD v4.1 is 0.000002542 in the European (non-Finnish) population, which is lower than the ClinGen ACADVL Variant Curation Expert Panel threshold (<0.001) for PM2_Supporting, meeting this criterion (PM2_Supporting). Fibroblast analysis and E. coli transfected with constructs harboring the variant both showed significantly deficient enzyme activity (PS3_Supporting; PMID: 23480858). The computational predictor REVEL gives a score of 0.941, which is above the threshold of 0.75, evidence that correlates with impact to ACADVL function (PP3). Another missense variant c.1328T>C (p.Met433Thr) in the same codon has been reported in a patient with VLCAD deficiency (PMID: 25652019). However, this variant has not yet met the criteria to be classified as pathogenic or likely pathogenic by the ClinGen ACADVL Variant Curation Expert Panel (PM5 not met). In summary, this variant meets the criteria to be classified as a likely pathogenic for autosomal recessive VLCAD deficiency based on the ACMG/AMP criteria applied, as specified by the ClinGen ACADVL Variant Curation Expert Panel: PP4_Moderate, PM3_Supporting, PM2_Supporting, PS3_Supporting, PP3 (ACADVL VCEP specifications version 2; approved May 5, 2025).

Labcorp Genetics (formerly Invitae), Labcorp
Classification: Pathogenic for Very long chain acyl-CoA dehydrogenase deficiency. Last evaluated: 2024-11-24. Review status: criteria provided, single submitter. Criteria: Invitae Variant Classification Sherloc (09022015). Collection method: clinical testing. Allele origin: germline. Not counted in ClinVar's aggregate classification.
Comment: This sequence change replaces methionine, which is neutral and non-polar, with arginine, which is basic and polar, at codon 443 of the ACADVL protein (p.Met443Arg). This variant is not present in population databases (gnomAD no frequency). This missense change has been observed in individual(s) with clinical features of ACADVL-related conditions (PMID: 23480858). ClinVar contains an entry for this variant (Variation ID: 285852). Invitae Evidence Modeling of protein sequence and biophysical properties (such as structural, functional, and spatial information, amino acid conservation, physicochemical variation, residue mobility, and thermodynamic stability) indicates that this missense variant is expected to disrupt ACADVL protein function with a positive predictive value of 80%. Experimental studies have shown that this missense change affects ACADVL function (PMID: 23480858). Algorithms developed to predict the effect of sequence changes on RNA splicing suggest that this variant may disrupt the consensus splice site. This variant disrupts the p.Met443 amino acid residue in ACADVL. Other variant(s) that disrupt this residue have been observed in individuals with ACADVL-related conditions (PMID: 25652019), which suggests that this may be a clinically significant amino acid residue. For these reasons, this variant has been classified as Pathogenic.

Wong Mito Lab, Molecular and Human Genetics, Baylor College of Medicine
Classification: Uncertain significance for Very long chain acyl-CoA dehydrogenase deficiency. Last evaluated: 2019-11-01. Review status: criteria provided, single submitter. Criteria: ACMG Guidelines, 2015. Collection method: clinical testing. Allele origin: germline. Not counted in ClinVar's aggregate classification.
Comment: The NM_000018.3:c.1328T>G (NP_000009.1:p.Met443Arg) [GRCH38: NC_000017.11:g.7223871T>G] variant in ACADVL gene is interpretated to be Uncertain Significance based on ACMG guidelines (PMID: 25741868). This variant has been reported. This variant meets the following evidence codes reported in the ACMG guidelines: PP3

ARUP Laboratories, Molecular Genetics and Genomics, ARUP Laboratories
Classification: Likely pathogenic for Very long chain acyl-CoA dehydrogenase deficiency. Last evaluated: 2019-06-17. Review status: criteria provided, single submitter. Criteria: ARUP Molecular Germline Variant Investigation Process. Collection method: clinical testing. Allele origin: germline. Not counted in ClinVar's aggregate classification.
Comment: The ACADVL c.1328T>G; p.Met443Arg variant (rs886043236) is reported in the literature in an individual with VLCAD deficiency (Schiff 2013) who was also heterozygous for another variant classified as pathogenic in ClinVar (Variation ID: 203582); cultured fibroblasts from this individual showed no detectable VLCAD activity. Furthermore, functional analysis of p.Met443Arg expressed using an in vitro prokaryotic system yielded no activity, even though protein of the correct size was detected by western blot. Additionally, another variant at this codon (c.1328T>C; p.Met443Thr) has been reported in an individual with VLCAD deficiency (Li 2015). The p.Met443Arg variant is reported in ClinVar (Variation ID: 285852), but is absent from general population databases (Exome Variant Server, Genome Aggregation Database), indicating it is not a common polymorphism. The methionine at codon 443 is highly conserved, and computational analyses (SIFT, PolyPhen-2) predict that this variant is deleterious. Based on available information, this variant is considered to be likely pathogenic. References: Li X et al. Very long-chain acyl-coenzyme A dehydrogenase deficiency in Chinese patients: eight case reports, including one case of prenatal diagnosis. Eur J Med Genet. 2015 Mar;58(3):134-9. Schiff M et al. Molecular and cellular pathology of very-long-chain acyl-CoA dehydrogenase deficiency. Mol Genet Metab. 2013 May;109(1):21-7.

Eurofins Ntd Llc (ga)
Classification: Uncertain significance. Last evaluated: 2016-01-19. Review status: criteria provided, single submitter. Criteria: EGL Classification Definitions 2015. Collection method: clinical testing. Allele origin: germline. Observed: 1 variant allele, 1 heterozygote. Not counted in ClinVar's aggregate classification.

Counsyl
Classification: Uncertain significance for Very long chain acyl-CoA dehydrogenase deficiency. Last evaluated: 2018-03-08. Review status: no assertion criteria provided. Collection method: clinical testing. Allele origin: unknown. Not counted in ClinVar's aggregate classification.

Literature cited by the submitters: PubMed 23480858 (cited by Labcorp Genetics (formerly Invitae), Labcorp and Counsyl); PubMed 25652019 (cited by Labcorp Genetics (formerly Invitae), Labcorp).

NM_000018.4(ACADVL):c.1328T>G (p.Met443Arg)

Gene: ACADVL (acyl-CoA dehydrogenase very long chain; plus strand). Cytogenetic location: 17p13.1.
Variant type: single nucleotide variant.
Coding change: c.1328T>G on transcript NM_000018.4 (MANE Select); coding-DNA position 1328, T replaced by G.
Protein change: p.Met443Arg; replaces methionine 443 with arginine.
Molecular consequence: missense variant.
Genome position (GRCh38, 1-based): chr17:7,223,871, T>G. VCF-style: chr17-7223871-T-G. GRCh37 (hg19) VCF-style: chr17-7127190-T-G.
Other names: NM_000018.4(ACADVL):c.1328T>G; p.Met443Arg; c.1262T>G, p.Met421Arg (NM_001033859.3); c.1397T>G, p.Met466Arg (NM_001270447.2); c.1100T>G, p.Met367Arg (NM_001270448.2); short protein forms M443R, M367R, M466R, M421R.
Identifiers: ClinVar variation 285852 (VCV000285852.26), dbSNP rs886043236, ClinGen allele CA10605275.